The following is an entry in ClinVar:

NM_000276.4(OCRL):c.2582-1G>T

Gene: OCRL (OCRL inositol polyphosphate-5-phosphatase; plus strand). Cytogenetic location: Xq26.1.
Variant type: single nucleotide variant.
Coding change: c.2582-1G>T on transcript NM_000276.4 (MANE Select); the canonical splice acceptor site of the intron before coding-DNA position 2582, G replaced by T.
Molecular consequence: splice acceptor variant.
Genome position (GRCh38, 1-based): chrX:129,590,145, G>T. VCF-style: chrX-129590145-G-T. GRCh37 (hg19) VCF-style: chrX-128724122-G-T.
Other names: c.2585-1G>T (NM_001318784.2); c.2558-1G>T (NM_001587.4).
Identifiers: ClinVar variation 280725 (VCV000280725.2), dbSNP rs398123289, ClinGen allele CA10603703.
Genomic context (GRCh38, chrX:129,590,145, plus strand): 5'-TGAGGTTTTGCTTAGGTTATGTCTGACAGAAGTTTCCGCTTGTCTTTCTCTCGTCTTGTA[G>T]CTACTCTCTTCACTAGTCTTCTCCTGAGGCCTCCACCCAACCTTATGGCAAGACAGACTC-3'

ClinVar aggregate classification (germline): Pathogenic (1 of 4 stars; one submission).

Submission:

GeneDx
Classification: Pathogenic. Last evaluated: 2016-07-12. Review status: criteria provided, single submitter. Criteria: GeneDx Variant Classification (06012015). Collection method: clinical testing. Allele origin: germline. Affected: yes.
Comment: The c.2582-1 G>T splice site variant in the OCRL gene destroys the canonical splice acceptor site in intron 23. It is predicted to cause abnormal gene splicing, either leading to an abnormal message that is subject to nonsense-mediated mRNA decay, or to an abnormal protein product if the message is used for protein translation. The variant was not observed in approximately 6,500 individuals of European and African American ancestry in the NHLBI Exome Sequencing Project, indicating it is not a common benign variant in these populations. Additionally, another splice acceptor site variant in the same position, c.2582-1 G>A, has been reported in the Human Gene Mutation Database in association with Lowe syndrome (Stenson et al., 2014).